The following is an entry in ClinVar:

ClinVar aggregate classification (germline): Uncertain significance. Review status: criteria provided, multiple submitters, no conflicts (2 of 4 stars). 4 submissions from 4 submitters: Uncertain significance (4). Last evaluated 2026-09-21.

Conditions:
COL9A3-related disorder. Also called: COL9A3-related condition.

Allele frequency attached by ClinVar (database versions not stated): gnomAD 0.00007 and 0.00008; ESP Exome Variant Server 0.00040.
gnomAD v4.1: 23 of 1,550,642 alleles (0.0015%); highest among the groups gnomAD compares: African/African-American, 0.014%; no homozygotes.

Submissions (4):

PreventionGenetics, part of Exact Sciences
Classification: Uncertain significance for COL9A3-related condition. Last evaluated: 2026-09-21. Review status: criteria provided, single submitter. Criteria: ACMG Guidelines, 2015. Collection method: clinical testing. Allele origin: germline.
Comment: The COL9A3 c.736C>T variant is predicted to result in the amino acid substitution p.Arg246Trp. This variant has been reported in an individual with keratoconus, however this individual had also other plausible variants (Table 3, González-Atienza et al. 2023. PubMed ID: 37895187). This variant is reported in 0.0080% of alleles in individuals of Latino descent in gnomAD. At this time, the clinical significance of this variant is uncertain due to the absence of conclusive functional and genetic evidence.

GeneDx
Classification: Uncertain significance. Last evaluated: 2026-07-30. Review status: criteria provided, single submitter. Criteria: GeneDx Variant Classification Process June 2021. Collection method: clinical testing. Allele origin: germline.
Comment: In silico analysis supports that this missense variant has a deleterious effect on protein structure/function; Observed in a patient with keratoconus (PMID: 37895187); This variant is associated with the following publications: (PMID: 37895187)

Labcorp Genetics (formerly Invitae), Labcorp
Classification: Uncertain significance. Last evaluated: 2025-11-01. Review status: criteria provided, single submitter. Criteria: Invitae Variant Classification Sherloc (09022015). Collection method: clinical testing. Allele origin: germline.
Comment: This sequence change replaces arginine, which is basic and polar, with tryptophan, which is neutral and slightly polar, at codon 246 of the COL9A3 protein (p.Arg246Trp). The frequency data for this variant in the population databases is considered unreliable, as metrics indicate poor data quality at this position in the gnomAD database. This missense change has been observed in individual(s) with nonsyndromic keratoconus (PMID: 37895187). ClinVar contains an entry for this variant (Variation ID: 1306778). Experimental studies and prediction algorithms are not available or were not evaluated, and the functional significance of this variant is currently unknown. In summary, the available evidence is currently insufficient to determine the role of this variant in disease. Therefore, it has been classified as a Variant of Uncertain Significance.

Blueprint Genetics
Classification: Uncertain significance. Last evaluated: 2021-10-12. Review status: criteria provided, single submitter. Criteria: ACMG Guidelines, 2015. Collection method: clinical testing. Allele origin: germline.

Literature cited by the submitters: PubMed 37895187 (cited by Labcorp Genetics (formerly Invitae), Labcorp).

NM_001853.4(COL9A3):c.736C>T (p.Arg246Trp)

Gene: COL9A3 (collagen type IX alpha 3 chain; plus strand). Cytogenetic location: 20q13.33.
Variant type: single nucleotide variant.
Coding change: c.736C>T on transcript NM_001853.4 (MANE Select); coding-DNA position 736, C replaced by T.
Protein change: p.Arg246Trp; replaces arginine 246 with tryptophan.
Molecular consequence: missense variant.
Genome position (GRCh38, 1-based): chr20:62,826,255, C>T. VCF-style: chr20-62826255-C-T. GRCh37 (hg19) VCF-style: chr20-61457607-C-T.
Other names: short protein forms R246W.
Identifiers: ClinVar variation 1306778 (VCV001306778.10), dbSNP rs377520445, ClinGen allele CA9949460.
Genomic context (GRCh38, chr20:62,826,255, plus strand): 5'-CTCTCGCAGGGCCCCCGGGGATTACGAGGACTGCCAGGGCCACTCGGGCCCCCTGGGGAC[C>T]GGGTAAGTCCTGCAGCCCCTAGTGGGGGCCGGCCAGGTGGCTGGGGGCCTGGTTGTCTGC-3'
Protein context (NP_001844.3, residues 236-256): LPGPLGPPGD[Arg246Trp]GPIGFRGPPG